The following is an entry in ClinVar:

NM_000326.5(RLBP1):c.756T>G (p.Asn252Lys)

Gene: RLBP1 (retinaldehyde binding protein 1; minus strand). Cytogenetic location: 15q26.1.
Variant type: single nucleotide variant.
Coding change: c.756T>G on transcript NM_000326.5 (MANE Select); coding-DNA position 756, T replaced by G.
Protein change: p.Asn252Lys; replaces asparagine 252 with lysine.
Molecular consequence: missense variant.
Genome position (GRCh38, 1-based): chr15:89,210,738, A>C on the plus strand (T>G on the coding strand, the complement: RLBP1 is on the minus strand). VCF-style: chr15-89210738-A-C. GRCh37 (hg19) VCF-style: chr15-89753969-A-C.
Other names: short protein forms N252K.
Identifiers: ClinVar variation 969277 (VCV000969277.7), dbSNP rs1311566225, ClinGen allele CA393728787.

ClinVar aggregate classification (germline): Uncertain significance (1 of 4 stars; one submission).

Allele frequency attached by ClinVar (database versions not stated): gnomAD 0.00001; gnomAD exomes 0.00001; TOPMed 0.00001.
gnomAD v4.1: 8 of 1,602,960 alleles (0.0005%); highest among the groups gnomAD compares: Non-Finnish European, 0.00068%; no homozygotes.

Submission:

Labcorp Genetics (formerly Invitae), Labcorp
Classification: Uncertain significance. Last evaluated: 2020-12-17. Review status: criteria provided, single submitter. Criteria: Invitae Variant Classification Sherloc (09022015). Collection method: clinical testing. Allele origin: germline.
Comment: Algorithms developed to predict the effect of missense changes on protein structure and function (SIFT, PolyPhen-2, Align-GVGD) all suggest that this variant is likely to be tolerated, but these predictions have not been confirmed by published functional studies and their clinical significance is uncertain. This variant has not been reported in the literature in individuals with RLBP1-related conditions. This variant is not present in population databases (ExAC no frequency). This sequence change replaces asparagine with lysine at codon 252 of the RLBP1 protein (p.Asn252Lys). The asparagine residue is highly conserved and there is a moderate physicochemical difference between asparagine and lysine. Algorithms developed to predict the effect of sequence changes on RNA splicing suggest that this variant may create or strengthen a splice site, but this prediction has not been confirmed by published transcriptional studies. In summary, the available evidence is currently insufficient to determine the role of this variant in disease. Therefore, it has been classified as a Variant of Uncertain Significance.